The following is an entry in ClinVar:

ClinVar aggregate classification (germline): Pathogenic. Review status: criteria provided, multiple submitters, no conflicts (2 of 4 stars). 2 submissions from 2 submitters: Pathogenic (2). Last evaluated 2019-03-26.

Conditions:
Nephronophthisis. Also called: Juvenile Nephronophthisis. Identifiers: Orphanet 655, MedGen C0687120, MONDO:0019005, HP:0000090.

Submissions (2):

Labcorp Genetics (formerly Invitae), Labcorp
Classification: Pathogenic for Nephronophthisis. Last evaluated: 2019-03-26. Review status: criteria provided, single submitter. Criteria: Invitae Variant Classification Sherloc (09022015). Collection method: clinical testing. Allele origin: germline.
Comment: This sequence change creates a premature translational stop signal (p.His982Argfs*26) in the NPHP4 gene. It is expected to result in an absent or disrupted protein product. For these reasons, this variant has been classified as Pathogenic. Loss-of-function variants in NPHP4 are known to be pathogenic (PMID: 23559409). This variant has not been reported in the literature in individuals with NPHP4-related disease. ClinVar contains an entry for this variant (Variation ID: 95680). This variant is not present in population databases (ExAC no frequency).

Eurofins Ntd Llc (ga)
Classification: Pathogenic. Last evaluated: 2013-08-30. Review status: criteria provided, single submitter. Criteria: EGL Classification Definitions 2015. Collection method: clinical testing. Allele origin: germline. Observed: 1 variant allele, 1 homozygote.

Literature cited by the submitters: PubMed 23559409 (cited by Labcorp Genetics (formerly Invitae), Labcorp).

NM_015102.5(NPHP4):c.2940_2944dup (p.His982fs)

Gene: NPHP4 (nephrocystin 4; minus strand). Cytogenetic location: 1p36.31.
Variant type: Duplication.
Coding change: c.2940_2944dup on transcript NM_015102.5 (MANE Select); coding-DNA positions 2940 to 2944, 5 bases duplicated (GCTCC; older notation c.2940_2944dupGCTCC).
Protein change: p.His982fs; shifts the reading frame from histidine 982.
Molecular consequence: frameshift variant. On other transcripts: non-coding transcript variant (1).
Genome position (GRCh38, 1-based): chr1:5,874,974-5,874,978, GGAGC duplicated on the plus strand (GCTCC on the coding strand, the reverse complement: NPHP4 is on the minus strand); duplicating any 5 consecutive bases within chr1:5,874,974-5,874,979 gives the same sequence; the c. name uses the placement nearest the transcript's 3' end. VCF-style (leftmost placement, unchanged base first): chr1-5874973-T-TGGAGC. GRCh37 (hg19) VCF-style: chr1-5935033-T-TGGAGC.
Other names: c.2940_2944dupGCTCC (NM_015102.4); c.1401_1405dup, p.His469fs (NM_001291593.2); c.1404_1408dup, p.His470fs (NM_001291594.2); short protein forms H470fs, H469fs, H982fs.
Identifiers: ClinVar variation 496917 (VCV000496917.13), dbSNP rs398124289, ClinGen allele CA223177.